The following is an entry in ClinVar:

ClinVar aggregate classification (germline): Conflicting classifications of pathogenicity. Review status: criteria provided, conflicting classifications (1 of 4 stars). 3 submissions from 3 submitters: Uncertain significance (1); Benign (1); Likely benign (1). Last evaluated 2025-04-23.

Conditions:
Choanal atresia-athelia-hypothyroidism-delayed puberty-short stature syndrome (BCAHH). Also called: BRANCHIAL ARCH ABNORMALITIES, CHOANAL ATRESIA, ATHELIA, HEARING LOSS, AND HYPOTHYROIDISM SYNDROME. Identifiers: Orphanet 589856, MedGen C5680310, MONDO:0035651, OMIM 620186.
Kabuki syndrome 1 (KABUK1). Also called: KMT2D-Related Kabuki Syndrome. Identifiers: Orphanet 2322, MedGen CN030661, MONDO:0007843, OMIM 147920.
Kabuki syndrome. Also called: NIIKAWA-KUROKI SYNDROME; Kabuki make-up syndrome. Identifiers: Orphanet 2322, MedGen C0796004, MONDO:0016512.

Allele frequency attached by ClinVar (database versions not stated): ExAC 0.00001; gnomAD 0.00001; TOPMed 0.00001.
gnomAD v4.1: 21 of 1,613,868 alleles (0.0013%); highest among the groups gnomAD compares: Non-Finnish European, 0.0017%; no homozygotes.

Submissions (3):

Labcorp Genetics (formerly Invitae), Labcorp
Classification: Benign for Kabuki syndrome. Last evaluated: 2025-04-23. Review status: criteria provided, single submitter. Criteria: Invitae Variant Classification Sherloc (09022015). Collection method: clinical testing. Allele origin: germline.

CeGaT Center for Human Genetics Tuebingen
Classification: Uncertain significance. Last evaluated: 2023-11-01. Review status: criteria provided, single submitter. Criteria: CeGaT Center For Human Genetics Tuebingen Variant Classification Criteria Version 2. Collection method: clinical testing. Allele origin: germline. Affected: yes. Observed: 1 variant allele.
Comment: KMT2D: PM2

Department of Pathology and Laboratory Medicine, Sinai Health System
Classification: Likely benign for Kabuki syndrome 1; Choanal atresia-athelia-hypothyroidism-delayed puberty-short stature syndrome. Last evaluated: 2021-07-30. Review status: criteria provided, single submitter. Criteria: ACMG Guidelines, 2015. Collection method: research. Allele origin: germline.

NM_003482.4(KMT2D):c.3650G>A (p.Ser1217Asn)

Genes: KMT2D (lysine methyltransferase 2D; minus strand), LOC126861520 (CDK7 strongly-dependent group 2 enhancer GRCh37_chr12:49442744-49443943; plus strand). Cytogenetic location: 12q13.12.
Variant type: single nucleotide variant.
Coding change: c.3650G>A on transcript NM_003482.4 (MANE Select); coding-DNA position 3650, G replaced by A.
Protein change: p.Ser1217Asn; replaces serine 1217 with asparagine.
Molecular consequence: missense variant.
Genome position (GRCh38, 1-based): chr12:49,049,938, C>T on the plus strand (G>A on the coding strand, the complement: KMT2D is on the minus strand). VCF-style: chr12-49049938-C-T. GRCh37 (hg19) VCF-style: chr12-49443721-C-T.
Other names: short protein forms S1217N.
Identifiers: ClinVar variation 2672500 (VCV002672500.26), dbSNP rs758588319, ClinGen allele CA6548013.